The following is an entry in ClinVar:

NM_001009944.3(PKD1):c.9188G>A (p.Arg3063His)

Gene: PKD1 (polycystin 1, transient receptor potential channel interacting; minus strand). Cytogenetic location: 16p13.3.
Variant type: single nucleotide variant.
Coding change: c.9188G>A on transcript NM_001009944.3 (MANE Select); coding-DNA position 9188, G replaced by A.
Protein change: p.Arg3063His; replaces arginine 3063 with histidine.
Molecular consequence: missense variant.
Genome position (GRCh38, 1-based): chr16:2,102,394, C>T on the plus strand (G>A on the coding strand, the complement: PKD1 is on the minus strand). VCF-style: chr16-2102394-C-T. GRCh37 (hg19) VCF-style: chr16-2152395-C-T.
Other names: c.9188G>A, p.Arg3063His (NM_000296.4); short protein forms R3063H.
Identifiers: ClinVar variation 3341021 (VCV003341021.4).

ClinVar aggregate classification (germline): Conflicting classifications of pathogenicity. Review status: criteria provided, conflicting classifications (1 of 4 stars). 4 submissions from 4 submitters: Uncertain significance (2); Likely benign (2). Last evaluated 2026-03-31.

Conditions:
PKD1-related disorder. Also called: PKD1-related condition.

gnomAD v4.1: 70 of 1,558,430 alleles (0.0045%); highest among the groups gnomAD compares: African/African-American, 0.067%; no homozygotes.

Submissions (4):

PreventionGenetics, part of Exact Sciences
Classification: Likely benign for PKD1-related condition. Last evaluated: 2026-03-31. Review status: criteria provided, single submitter. Criteria: ACMG Guidelines, 2015. Collection method: clinical testing. Allele origin: germline.
Comment: This variant is classified as likely benign based on ACMG/AMP sequence variant interpretation guidelines (Richards et al. 2015 PMID: 25741868, with internal and published modifications).

Women's Health and Genetics/Laboratory Corporation of America, LabCorp
Classification: Uncertain significance. Last evaluated: 2025-06-18. Review status: criteria provided, single submitter. Criteria: LabCorp Variant Classification Summary - May 2015. Collection method: clinical testing. Allele origin: germline.
Comment: Variant summary: PKD1 c.9188G>A (p.Arg3063His) results in a non-conservative amino acid change in the encoded protein sequence. Algorithms developed to predict the effect of missense changes on protein structure and function are either unavailable or do not agree on the potential impact of this missense change. The variant allele was found at a frequency of 6.2e-05 in 161286 control chromosomes (gnomAD). This frequency is not significantly higher than estimated for a pathogenic variant in PKD1 causing PKD1-Biallelic Autosomal Recessive Polycystic Kidney Disease, allowing no conclusion about variant significance. To our knowledge, no occurrence of c.9188G>A in individuals affected with PKD1-Biallelic Autosomal Recessive Polycystic Kidney Disease and no experimental evidence demonstrating its impact on protein function have been reported. ClinVar contains an entry for this variant (Variation ID: 3341021). Based on the evidence outlined above, the variant was classified as uncertain significance.

GeneDx
Classification: Uncertain significance. Last evaluated: 2024-02-28. Review status: criteria provided, single submitter. Criteria: GeneDx Variant Classification Process June 2021. Collection method: clinical testing. Allele origin: germline. Affected: yes.
Comment: In silico analysis supports that this missense variant does not alter protein structure/function; Has not been previously published as pathogenic or benign to our knowledge

Blueprint Genetics
Classification: Likely benign. Last evaluated: 2024-02-27. Review status: criteria provided, single submitter. Criteria: ACMG Guidelines, 2015. Collection method: clinical testing. Allele origin: germline.